The following is an entry in ClinVar:

NM_001999.4(FBN2):c.3974-19T>C

Gene: FBN2 (fibrillin 2; minus strand). Cytogenetic location: 5q23.3.
Variant type: single nucleotide variant.
Coding change: c.3974-19T>C on transcript NM_001999.4 (MANE Select); 19 bases into the intron before coding-DNA position 3974, T replaced by C.
Molecular consequence: intron variant.
Genome position (GRCh38, 1-based): chr5:128,334,863, A>G on the plus strand (T>C on the coding strand, the complement: FBN2 is on the minus strand). VCF-style: chr5-128334863-A-G. GRCh37 (hg19) VCF-style: chr5-127670555-A-G.
Identifiers: ClinVar variation 213231 (VCV000213231.11), dbSNP rs112950479, ClinGen allele CA322935.

ClinVar aggregate classification (germline): Benign/Likely benign. Review status: criteria provided, multiple submitters, no conflicts (2 of 4 stars). 4 submissions from 4 submitters: Benign (3); Likely benign (1). Last evaluated 2025-10-26.

Conditions:
Congenital contractural arachnodactyly (CCA). Also called: BEALS SYNDROME; Beals-Hecht syndrome; Arthrogryposis, distal, type 9. Identifiers: Orphanet 115, MedGen C0220668, MONDO:0007363, OMIM 121050.

Allele frequency attached by ClinVar (database versions not stated): gnomAD exomes 0.00028; ESP Exome Variant Server 0.00062; gnomAD 0.00083; TOPMed 0.00105; 1000 Genomes Project 0.00220; 1000 Genomes Project 30x 0.00281; ExAC 0.00028.
gnomAD v4.1: 355 of 1,595,422 alleles (0.022%); highest among the groups gnomAD compares: African/African-American, 0.32%; 4 homozygotes.

Submissions (4):

Labcorp Genetics (formerly Invitae), Labcorp
Classification: Benign for Congenital contractural arachnodactyly. Last evaluated: 2025-10-26. Review status: criteria provided, single submitter. Criteria: Invitae Variant Classification Sherloc (09022015). Collection method: clinical testing. Allele origin: germline.

Blueprint Genetics
Classification: Likely benign. Last evaluated: 2024-03-11. Review status: criteria provided, single submitter. Criteria: ACMG Guidelines, 2015. Collection method: clinical testing. Allele origin: germline.

Women's Health and Genetics/Laboratory Corporation of America, LabCorp
Classification: Benign. Last evaluated: 2023-08-10. Review status: criteria provided, single submitter. Criteria: LabCorp Variant Classification Summary - May 2015. Collection method: clinical testing. Allele origin: germline.

GeneDx
Classification: Benign. Last evaluated: 2014-09-29. Review status: criteria provided, single submitter. Criteria: GeneDx Variant Classification (06012015). Collection method: clinical testing. Allele origin: germline. Affected: yes.
Comment: This variant is considered likely benign or benign based on one or more of the following criteria: it is a conservative change, it occurs at a poorly conserved position in the protein, it is predicted to be benign by multiple in silico algorithms, and/or has population frequency not consistent with disease.